The following is an entry in ClinVar:

NM_006885.4(ZFHX3):c.9879C>T (p.Ala3293=)

Genes: ZFHX3 (zinc finger homeobox 3; minus strand), ZFHX3-AS1 (ZFHX3 antisense RNA 1; plus strand). Cytogenetic location: 16q22.2.
Variant type: single nucleotide variant.
Coding change: c.9879C>T on transcript NM_006885.4 (MANE Select); coding-DNA position 9879, C replaced by T.
Protein change: p.Ala3293=; no amino-acid change (alanine 3293 retained).
Molecular consequence: synonymous variant.
Genome position (GRCh38, 1-based): chr16:72,788,397, G>A on the plus strand (C>T on the coding strand, the complement: ZFHX3 is on the minus strand). VCF-style: chr16-72788397-G-A. GRCh37 (hg19) VCF-style: chr16-72822296-G-A.
Other names: c.7137C>T, p.Ala2379= (NM_001164766.2); c.9879C>T, p.Ala3293= (NM_001386735.1).
Identifiers: ClinVar variation 3060173 (VCV003060173.2), dbSNP rs2228199, ClinGen allele CA8162718.
Genomic context (GRCh38, chr16:72,788,397, plus strand): 5'-TGGTACAAAGTAAGGAAGGAACTGGCTTGTGAGCAATGCTGTGGGGTCCGAAGTCAACGC[G>A]GCCTGCAGGGCCTGCAGCTGTGCAGGGTCTACCGCATACTCCATGGTGGGCAGCGGGGCT-3'
Protein context (NP_008816.3, residues 3283-3303): VDPAQLQALQ[Ala3293=]ALTSDPTALL

ClinVar aggregate classification (germline): Benign (0 of 4 stars; one submission).

Conditions:
ZFHX3-related disorder. Also called: ZFHX3-related condition.

Allele frequency attached by ClinVar (database versions not stated): ESP Exome Variant Server 0.04678; TOPMed 0.05216; gnomAD 0.05329; 1000 Genomes Project 30x 0.05981; 1000 Genomes Project 0.06070; gnomAD exomes 0.06301.
gnomAD v4.1: 100,015 of 1,614,104 alleles (6.2%); highest among the groups gnomAD compares: East Asian, 11%; 3,498 homozygotes.

Submission:

PreventionGenetics, part of Exact Sciences
Classification: Benign for ZFHX3-related condition. Last evaluated: 2019-10-30. Review status: no assertion criteria provided. Collection method: clinical testing. Allele origin: germline.
Comment: This variant is classified as benign based on ACMG/AMP sequence variant interpretation guidelines (Richards et al. 2015 PMID: 25741868, with internal and published modifications).